The following is an entry in ClinVar:

ClinVar aggregate classification (germline): Uncertain significance (1 of 4 stars; one submission).

Conditions:
Weaver syndrome (WVS). Also called: Weaver Smith syndrome; Overgrowth syndrome with accelerated skeletal maturation, unusual facies, and camptodactyly. Identifiers: Orphanet 3447, MedGen C0265210, MONDO:0010193, OMIM 277590.

Submission:

Labcorp Genetics (formerly Invitae), Labcorp
Classification: Uncertain significance for Weaver syndrome. Last evaluated: 2018-02-22. Review status: criteria provided, single submitter. Criteria: Invitae Variant Classification Sherloc (09022015). Collection method: clinical testing. Allele origin: germline.
Comment: This sequence change replaces arginine with serine at codon 566 of the EZH2 protein (p.Arg566Ser). The arginine residue is moderately conserved and there is a moderate physicochemical difference between arginine and serine. In summary, the available evidence is currently insufficient to determine the role of this variant in disease. Therefore, it has been classified as a Variant of Uncertain Significance. Algorithms developed to predict the effect of sequence changes on RNA splicing suggest that this variant may create or strengthen a splice site, but this prediction has not been confirmed by published transcriptional studies. Algorithms developed to predict the effect of missense changes on protein structure and function (SIFT, PolyPhen-2, Align-GVGD) all suggest that this variant is likely to be tolerated, but these predictions have not been confirmed by published functional studies and their clinical significance is uncertain. This variant has not been reported in the literature in individuals with EZH2-related disease. This variant is not present in population databases (ExAC no frequency).

NM_004456.5(EZH2):c.1696C>A (p.Arg566Ser)

Gene: EZH2 (enhancer of zeste 2 polycomb repressive complex 2 subunit; minus strand). Cytogenetic location: 7q36.1.
Variant type: single nucleotide variant.
Coding change: c.1696C>A on transcript NM_004456.5 (MANE Select); coding-DNA position 1696, C replaced by A.
Protein change: p.Arg566Ser; replaces arginine 566 with serine.
Molecular consequence: missense variant.
Genome position (GRCh38, 1-based): chr7:148,814,114, G>T on the plus strand (C>A on the coding strand, the complement: EZH2 is on the minus strand). VCF-style: chr7-148814114-G-T. GRCh37 (hg19) VCF-style: chr7-148511206-G-T.
Other names: c.1681C>A, p.Arg561Ser (NM_001203247.2); c.1654C>A, p.Arg552Ser (NM_001203248.2); c.1528C>A, p.Arg510Ser (NM_001203249.2); c.1564C>A, p.Arg522Ser (NM_152998.3); short protein forms R566S, R552S, R522S, R510S, R561S.
Identifiers: ClinVar variation 459200 (VCV000459200.9), dbSNP rs1554486440, ClinGen allele CA369713597.